The following is an entry in ClinVar:

ClinVar aggregate classification (germline): Uncertain significance (1 of 4 stars; one submission).

Allele frequency attached by ClinVar (database versions not stated): TOPMed below 0.00001.

Submission:

Labcorp Genetics (formerly Invitae), Labcorp
Classification: Uncertain significance. Last evaluated: 2020-05-20. Review status: criteria provided, single submitter. Criteria: Invitae Variant Classification Sherloc (09022015). Collection method: clinical testing. Allele origin: germline.
Comment: This sequence change falls in intron 6 of the PITPNM3 gene. It does not directly change the encoded amino acid sequence of the PITPNM3 protein, but it affects a nucleotide within the consensus splice site of the intron. This variant is not present in population databases (ExAC no frequency). This variant has not been reported in the literature in individuals with PITPNM3-related conditions. Nucleotide substitutions within the consensus splice site are a relatively common cause of aberrant splicing (PMID: 17576681, 9536098). Algorithms developed to predict the effect of sequence changes on RNA splicing suggest that this variant may disrupt the consensus splice site, but this prediction has not been confirmed by published transcriptional studies. In summary, the available evidence is currently insufficient to determine the role of this variant in disease. Therefore, it has been classified as a Variant of Uncertain Significance.

Literature cited by the submitters: PubMed 17576681; PubMed 9536098.

NM_031220.4(PITPNM3):c.587+6T>C

Gene: PITPNM3 (PITPNM family member 3; minus strand). Cytogenetic location: 17p13.2.
Variant type: single nucleotide variant.
Coding change: c.587+6T>C on transcript NM_031220.4 (MANE Select); 6 bases into the intron after coding-DNA position 587, T replaced by C.
Molecular consequence: intron variant.
Genome position (GRCh38, 1-based): chr17:6,483,511, A>G on the plus strand (T>C on the coding strand, the complement: PITPNM3 is on the minus strand). VCF-style: chr17-6483511-A-G. GRCh37 (hg19) VCF-style: chr17-6386831-A-G.
Other names: c.479+6T>C (NM_001165966.2).
Identifiers: ClinVar variation 1024144 (VCV001024144.8), dbSNP rs1331971141, ClinGen allele CA774028103.
Genomic context (GRCh38, chr17:6,483,511, plus strand): 5'-GGGGAGCCCCTCCACTTAGTTCCCCCACCAACCCCAACCAGTTCAAACAAGCAGAAATGG[A>G]CTCACTGAGAGACAAGCGAGAAAGCCTCAGAGCAGATGGCAGGACAGGGGACGAACTTGA-3'